The following is an entry in ClinVar:

NM_054012.4(ASS1):c.470G>A (p.Arg157His)

Gene: ASS1 (argininosuccinate synthase 1; plus strand). Cytogenetic location: 9q34.11.
Variant type: single nucleotide variant.
Coding change: c.470G>A on transcript NM_054012.4 (MANE Select); coding-DNA position 470, G replaced by A.
Protein change: p.Arg157His; replaces arginine 157 with histidine.
Molecular consequence: missense variant.
Genome position (GRCh38, 1-based): chr9:130,466,774, G>A. VCF-style: chr9-130466774-G-A. GRCh37 (hg19) VCF-style: chr9-133342161-G-A.
Other names: c.470G>A, p.Arg157His (NM_000050.4); short protein forms R157H.
Identifiers: ClinVar variation 6325 (VCV000006325.37), dbSNP rs121908637, ClinGen allele CA253830.
Genomic context (GRCh38, chr9:130,466,774, plus strand): 5'-CCTATGTCCAGGTCATTGCTCCCTGGAGGATGCCTGAATTCTACAACCGGTTCAAGGGCC[G>A]CAATGACCTGATGGAGTACGCAAAGGTATGGCCGAGTCTCCCCACCACCCCCAACCTTTC-3'
Protein context (NP_446464.1, residues 147-167): MPEFYNRFKG[Arg157His]NDLMEYAKQH

ClinVar aggregate classification (germline): Conflicting classifications of pathogenicity. Review status: criteria provided, conflicting classifications (1 of 4 stars). 14 submissions from 14 submitters: Pathogenic (11); Uncertain significance (1). 2 of the submissions do not count toward it. Last evaluated 2026-01-05.

Conditions:
Citrullinemia. Identifiers: Orphanet 187, MedGen C0175683, MONDO:0015991.
ASS1-related disorder. Also called: ASS1-related condition.
Citrullinemia type I (CTNL1). Also called: argininosuccinate synthetase deficiency; ASS DEFICIENCY. Identifiers: Orphanet 247525, MedGen C4721769, MONDO:0008988, OMIM 215700.

Allele frequency attached by ClinVar (database versions not stated): ExAC 0.00010; TOPMed 0.00011; 1000 Genomes Project 30x 0.00016; 1000 Genomes Project 0.00020; gnomAD 0.00007 and 0.00006; gnomAD exomes 0.00008.

Submissions (14):

Labcorp Genetics (formerly Invitae), Labcorp
Classification: Pathogenic for Citrullinemia. Last evaluated: 2026-01-05. Review status: criteria provided, single submitter. Criteria: Invitae Variant Classification Sherloc (09022015). Collection method: clinical testing. Allele origin: germline.
Comment: This sequence change replaces arginine, which is basic and polar, with histidine, which is basic and polar, at codon 157 of the ASS1 protein (p.Arg157His). This variant is present in population databases (rs121908637, gnomAD 0.03%). This missense change has been observed in individual(s) with symptoms consistent with citrullinemia (PMID: 27287393). ClinVar contains an entry for this variant (Variation ID: 6325). Invitae Evidence Modeling of protein sequence and biophysical properties (such as structural, functional, and spatial information, amino acid conservation, physicochemical variation, residue mobility, and thermodynamic stability) indicates that this missense variant is expected to disrupt ASS1 protein function with a positive predictive value of 80%. Experimental studies have shown that this missense change affects ASS1 function (PMID: 8792870). For these reasons, this variant has been classified as Pathogenic.

Natera, Inc.
Classification: Pathogenic for Citrullinemia type I. Last evaluated: 2025-08-30. Review status: criteria provided, single submitter. Criteria: Natera Variant Classification Schema (03/2026). Collection method: clinical testing. Allele origin: germline.
Comment: The c.470G>A variant in ASS1 is a missense variant predicted to cause substitution of arginine to histidine at amino acid 157. This variant is rare in the general population with a frequency below the threshold expected for the associated phenotype(s). This variant has been observed in one or more individuals affected with the associated recessive disease, as either homozygous or compound heterozygous with a second variant (PMID: 16475226, 27287393). Functional studies show that this variant may disrupt protein function (PMID: 27287393). A different variant at the same position has been determined to be Pathogenic or Likely Pathogenic. Computational prediction algorithms indicate this variant is likely to affect gene or protein function. Given the available evidence, this variant is classified as Pathogenic.

Institute of Human Genetics, University of Leipzig Medical Center
Classification: Pathogenic for Citrullinemia type I. Last evaluated: 2025-05-19. Review status: criteria provided, single submitter. Criteria: ACMG Guidelines, 2015. Collection method: clinical testing. Allele origin: unknown. Inheritance: Autosomal recessive inheritance. Affected: yes.
Comment: Criteria applied: PS3,PM2,PM3,PM5,PP3

PreventionGenetics, part of Exact Sciences
Classification: Pathogenic for ASS1-related condition. Last evaluated: 2025-04-26. Review status: criteria provided, single submitter. Criteria: ACMG Guidelines, 2015. Collection method: clinical testing. Allele origin: germline.
Comment: The ASS1 c.470G>A variant is predicted to result in the amino acid substitution p.Arg157His. This variant, when present in the compound heterozygous or homozygous state, has been documented to be causative for autosomal recessive citrullinemia type 1 (Kobayashi et al. 1990. PubMed ID: 2358466; Gupta et al. 2012. PubMed ID: 22885444). Functional in vitro studies found this variant reduced enzymatic activity to <2% of normal levels (Diez-Fernandez et al 2016. PubMed ID: 27287393). This variant is reported in 0.033% of alleles in individuals of South Asian descent in gnomAD. This variant is interpreted as pathogenic.

Genetics and Genomic Medicine Centre, NeuroGen Healthcare, NeuroGen Healthcare
Classification: Pathogenic for Citrullinemia type I. Last evaluated: 2024-07-18. Review status: criteria provided, single submitter. Criteria: ACMG Guidelines, 2015. Collection method: clinical testing. Allele origin: unknown. Affected: no.

Fulgent Genetics
Classification: Pathogenic for Citrullinemia type I. Last evaluated: 2024-03-26. Review status: criteria provided, single submitter. Criteria: ACMG Guidelines, 2015. Collection method: clinical testing. Allele origin: germline.

Genomic Medicine Center of Excellence, King Faisal Specialist Hospital and Research Centre
Classification: Pathogenic for Citrullinemia type I. Last evaluated: 2024-03-25. Review status: criteria provided, single submitter. Criteria: ACMG Guidelines, 2015. Collection method: clinical testing. Allele origin: germline.

Victorian Clinical Genetics Services, Murdoch Childrens Research Institute
Classification: Pathogenic for Citrullinemia type I. Last evaluated: 2020-05-21. Review status: criteria provided, single submitter. Criteria: ACMG Guidelines, 2015. Collection method: clinical testing. Allele origin: germline. Inheritance: Autosomal recessive inheritance. Affected: no.
Comment: A heterozygous missense variant was identified, NM_000050.4(ASS1):c.470G>A in exon 7 of 16 of the ASS1 gene. This substitution is predicted to cause a minor amino acid change from arginine to histidine at position 157 of the protein, NP_000041.2(ASS1):p.(Arg157His). The arginine at this position has very high conservation (100 vertebrates, UCSC), and is located in the Arginosuccinate synthase domain. In silico software predicts the missense variant to be disease causing (Polyphen, SIFT, CADD, Mutation Taster). The variant is present in the gnomAD population database at a frequency of 0.008% (23 heterozygotes, 0 homozygotes). An alternative residue change to cysteine at the same location has been reported in the gnomAD database at a frequency of 0.002% (6 heterozygotes, 0 homozygotes). It has been previously reported in homozygous and compound heterozygous state, in patients with citrullinemia (ClinVar, Kobayashi, K. et al. (1990), Diez-Ferandez, C. et al. (2016), Diez-Ferandez, C. et al. (2017)). In addition, functional studies show that this variant causes complete loss of enzyme activity (Diez-Ferandez, C. et al. (2016)). Two different variants in the same codon resulting in changes to cysteine and serine have also been shown in recessive state to cause citrullinemia (Gao, H. et al. (2003), Diez-Ferandez, C. et al. (2016), Diez-Ferandez, C. et al. (2017)). Based on information available at the time of curation, this variant has been classified as PATHOGENIC.

Women's Health and Genetics/Laboratory Corporation of America, LabCorp
Classification: Pathogenic for Citrullinuria. Last evaluated: 2019-01-24. Review status: criteria provided, single submitter. Criteria: LabCorp Variant Classification Summary - May 2015. Collection method: clinical testing. Allele origin: germline.
Comment: Variant summary: The variant, ASS1 c.470G>A (p.Arg157His) results in a non-conservative amino acid change in the encoded protein sequence. Four of five in-silico tools predict a damaging effect of the variant on protein function. The variant allele was found at a frequency of 8.3e-05 in 277108 control chromosomes (gnomAD). This frequency is not significantly higher than expected for a pathogenic variant in ASS1 causing Citrullinemia Type I (8.3e-05 vs 0.0041), allowing no conclusion about variant significance. The variant, c.470G>A has been reported in the literature in multiple individuals affected with Citrullinemia Type I (Bijarnia-Mahay_2018, Diez-Fernandez_2016, Nguyen_2018). These data indicate that the variant is very likely to be associated with disease. At least one publication reports experimental evidence evaluating an impact on protein function (Diez-Fernandez_2016). The most pronounced variant effect results in <10% of normal activity. One clinical diagnostic laboratory has submitted clinical-significance assessments for this variant to ClinVar after 2014 without evidence for independent evaluation and has classified the variant as pathogenic. Based on the evidence outlined above, the variant was classified as pathogenic.

Eurofins Ntd Llc (ga)
Classification: Uncertain significance. Last evaluated: 2013-12-27. Review status: criteria provided, single submitter. Criteria: EGL Classification Definitions 2015. Collection method: clinical testing. Allele origin: germline. Observed: 2 variant alleles, 2 heterozygotes.

Kariminejad - Najmabadi Pathology & Genetics Center
Classification: Pathogenic for Citrullinemia type I. Review status: criteria provided, single submitter. Criteria: ACMG Guidelines, 2015. Collection method: clinical testing. Allele origin: germline. Affected: no.

Neuberg Centre For Genomic Medicine, NCGM
Classification: Pathogenic for Citrullinemia type I. Review status: criteria provided, single submitter. Criteria: ACMG Guidelines, 2015. Collection method: clinical testing. Allele origin: germline. Inheritance: Autosomal recessive inheritance. Affected: yes.
Comment: The observed missense c.470G>A (p.Arg157His) variant in ASS1 gene has been reported in both homozygous and compound heterozygous states in multiple individuals affected with Citrullinemia (Nguyen et al., 2018; Diez-Fernandez et al., 2017; Shaheen et al., 1994). Experimental studies have shown that this missense change affects ASS1 function (Diez-Fernandez et al., 2017). The p.Arg157His variant has been reported with allele frequency of 0.008% in gnomAD Exomes. This variant has been submitted to the ClinVar database as Pathogenic (multiple submissions). The amino acid change p.Arg157His in ASS1 is predicted as conserved by GERP++ and PhyloP across 100 vertebrates. The amino acid Arg at position 157 is changed to a His changing protein sequence and it might alter its composition and physico-chemical properties. For these reasons, this variant has been classified as Pathogenic.

Counsyl
Classification: Pathogenic for Citrullinemia type I. Last evaluated: 2017-03-30. Review status: no assertion criteria provided. Collection method: clinical testing. Allele origin: unknown. Not counted in ClinVar's aggregate classification.

OMIM
Classification: Pathogenic for CITRULLINEMIA, CLASSIC. Last evaluated: 2013-04-04. Review status: no assertion criteria provided. Collection method: literature only. Allele origin: germline. Not counted in ClinVar's aggregate classification.

Literature cited by the submitters: PubMed 27287393 (cited by 5 submitters); PubMed 8792870 (cited by Labcorp Genetics (formerly Invitae), Labcorp); PubMed 16475226 (cited by Natera, Inc.); PubMed 2358466 (cited by Victorian Clinical Genetics Services, Murdoch Childrens Research Institute); PubMed 12815590 (cited by Victorian Clinical Genetics Services, Murdoch Childrens Research Institute); PubMed 28111830 (cited by Victorian Clinical Genetics Services, Murdoch Childrens Research Institute); PubMed 25087612 (cited by Women's Health and Genetics/Laboratory Corporation of America, LabCorp); PubMed 29378745 (cited by Women's Health and Genetics/Laboratory Corporation of America, LabCorp); PubMed 30285816 (cited by Women's Health and Genetics/Laboratory Corporation of America, LabCorp); Kobayashi, K., Jackson, M. J., Tick, D. B., O'Brien, W. E., Beaudet, A. L. Characterization of nine mutant alleles causing citrullinemia. (Abstract) Am. J. Hum. Genet. 45 (suppl.): A201-only, 1989. (cited by OMIM).